The following is an entry in ClinVar:

NM_020975.6(RET):c.2980A>C (p.Lys994Gln)

Gene: RET (ret proto-oncogene; plus strand). Cytogenetic location: 10q11.21.
Variant type: single nucleotide variant.
Coding change: c.2980A>C on transcript NM_020975.6 (MANE Select); coding-DNA position 2980, A replaced by C.
Protein change: p.Lys994Gln; replaces lysine 994 with glutamine.
Molecular consequence: missense variant.
Genome position (GRCh38, 1-based): chr10:43,124,923, A>C. VCF-style: chr10-43124923-A-C. GRCh37 (hg19) VCF-style: chr10-43620371-A-C.
Other names: c.2980A>C, p.Lys994Gln (NM_000323.2, NM_001406743.1, NM_001406744.1 and 4 more transcripts); c.2218A>C, p.Lys740Gln (NM_001355216.2); c.2851A>C, p.Lys951Gln (NM_001406761.1, NM_001406762.1, NM_001406764.1); c.2845A>C, p.Lys949Gln (NM_001406763.1, NM_001406765.1); c.2692A>C, p.Lys898Gln (NM_001406766.1, NM_001406767.1, NM_001406770.1); c.2716A>C, p.Lys906Gln (NM_001406768.1); c.2584A>C, p.Lys862Gln (NM_001406769.1, NM_001406772.1); c.2542A>C, p.Lys848Gln (NM_001406771.1, NM_001406773.1); and 10 more; short protein forms K740Q, K994Q, K599Q, K664Q, K695Q, K652Q, K559Q, K650Q.
Identifiers: ClinVar variation 960619 (VCV000960619.11), dbSNP rs1490223704, ClinGen allele CA376558116.
Genomic context (GRCh38, chr10:43,124,923, plus strand): 5'-CTGTCTGCTCTTCCCACCAGGTACCGCCTGATGCTGCAATGCTGGAAGCAGGAGCCGGAC[A>C]AAAGGCCGGTGTTTGCGGACATCAGCAAAGACCTGGAGAAGATGATGGTTAAGAGGAGAG-3'
Protein context (NP_066124.1, residues 984-1004): MLQCWKQEPD[Lys994Gln]RPVFADISKD

ClinVar aggregate classification (germline): Uncertain significance. Review status: criteria provided, multiple submitters, no conflicts (2 of 4 stars). 2 submissions from 2 submitters: Uncertain significance (2). Last evaluated 2022-09-28.

Conditions:
Hereditary cancer-predisposing syndrome. Also called: Tumor predisposition; Hereditary neoplastic syndrome; Neoplastic Syndromes, Hereditary; Hereditary Cancer Syndrome. Identifiers: Orphanet 140162, MedGen C0027672, MeSH D009386, MONDO:0015356.
Multiple endocrine neoplasia, type 2 (MEN2). Identifiers: Orphanet 653, MedGen C4048306, MONDO:0019003. Disease mechanism: gain of function.

gnomAD v4.1: 1 of 1,614,224 alleles (0.000062%); highest among the groups gnomAD compares: Non-Finnish European, 0.000085%; no homozygotes.

Submissions (2):

Ambry Genetics
Classification: Uncertain significance for Hereditary cancer-predisposing syndrome. Last evaluated: 2022-09-28. Review status: criteria provided, single submitter. Criteria: Ambry Variant Classification Scheme 2023. Collection method: clinical testing. Allele origin: germline.
Comment: The p.K994Q variant (also known as c.2980A>C), located in coding exon 18 of the RET gene, results from an A to C substitution at nucleotide position 2980. The lysine at codon 994 is replaced by glutamine, an amino acid with similar properties. This amino acid position is conserved. In addition, the in silico prediction for this alteration is inconclusive. Since supporting evidence is limited at this time, the clinical significance of this alteration remains unclear.

Labcorp Genetics (formerly Invitae), Labcorp
Classification: Uncertain significance for Multiple endocrine neoplasia, type 2. Last evaluated: 2019-09-23. Review status: criteria provided, single submitter. Criteria: Invitae Variant Classification Sherloc (09022015). Collection method: clinical testing. Allele origin: germline.
Comment: In summary, the available evidence is currently insufficient to determine the role of this variant in disease. Therefore, it has been classified as a Variant of Uncertain Significance. Algorithms developed to predict the effect of missense changes on protein structure and function (SIFT, PolyPhen-2, Align-GVGD) all suggest that this variant is likely to be tolerated, but these predictions have not been confirmed by published functional studies and their clinical significance is uncertain. This variant has not been reported in the literature in individuals with RET-related conditions. This variant is not present in population databases (ExAC no frequency). This sequence change replaces lysine with glutamine at codon 994 of the RET protein (p.Lys994Gln). The lysine residue is highly conserved and there is a small physicochemical difference between lysine and glutamine.